The following is an entry in ClinVar:

NM_001206673.2(ABHD12B):c.813A>G (p.Thr271=)

Gene: ABHD12B (abhydrolase domain containing 12B; plus strand). Cytogenetic location: 14q22.1.
Variant type: single nucleotide variant.
Coding change: c.813A>G on transcript NM_001206673.2 (MANE Select); coding-DNA position 813, A replaced by G.
Protein change: p.Thr271=; no amino-acid change (threonine 271 retained).
Molecular consequence: synonymous variant.
Genome position (GRCh38, 1-based): chr14:50,901,861, A>G. VCF-style: chr14-50901861-A-G. GRCh37 (hg19) VCF-style: chr14-51368579-A-G.
Other names: c.492A>G, p.Thr164= (NM_181533.4); c.582A>G, p.Thr194= (NM_181814.2).
Identifiers: ClinVar variation 2498593 (VCV002498593.28), dbSNP rs144242298, ClinGen allele CA7182945.

ClinVar aggregate classification (germline): Likely benign (1 of 4 stars; one submission).

Allele frequency attached by ClinVar (database versions not stated): gnomAD 0.00028; TOPMed 0.00028; ExAC 0.00045; ESP Exome Variant Server 0.00085.
gnomAD v4.1: 883 of 1,592,602 alleles (0.055%); highest among the groups gnomAD compares: Non-Finnish European, 0.073%; no homozygotes.

Submission:

CeGaT Center for Human Genetics Tuebingen
Classification: Likely benign. Last evaluated: 2023-03-01. Review status: criteria provided, single submitter. Criteria: CeGaT Center For Human Genetics Tuebingen Variant Classification Criteria Version 2. Collection method: clinical testing. Allele origin: germline. Affected: yes. Observed: 1 variant allele.
Comment: ABHD12B: BP4, BP7